The following is an entry in ClinVar:

NM_173630.4(RTTN):c.5282T>C (p.Phe1761Ser)

Gene: RTTN (rotatin; minus strand). Cytogenetic location: 18q22.2.
Variant type: single nucleotide variant.
Coding change: c.5282T>C on transcript NM_173630.4 (MANE Select); coding-DNA position 5282, T replaced by C.
Protein change: p.Phe1761Ser; replaces phenylalanine 1761 with serine.
Molecular consequence: missense variant.
Genome position (GRCh38, 1-based): chr18:70,051,452, A>G on the plus strand (T>C on the coding strand, the complement: RTTN is on the minus strand). VCF-style: chr18-70051452-A-G. GRCh37 (hg19) VCF-style: chr18-67718688-A-G.
Other names: c.2546T>C, p.Phe849Ser (NM_001318520.2); short protein forms F1761S, F849S.
Identifiers: ClinVar variation 130188 (VCV000130188.20), dbSNP rs4891392, ClinGen allele CA155018.
Genomic context (GRCh38, chr18:70,051,452, plus strand): 5'-TATGCAAGTATCTTCTTACCAATCGCCGCTGTCCAGTGCTTGGCCAGGGCCACGGTAACA[A>G]ACGGGAGTGTGATGGCACCAGCTTTCCTCAGGAGCATGGCCAGAAGATTAAATAAATGTG-3'
Protein context (NP_775901.3, residues 1751-1771): LRKAGAITLP[Phe1761Ser]VTVALAKHWT

ClinVar aggregate classification (germline): Benign/Likely benign. Review status: criteria provided, multiple submitters, no conflicts (2 of 4 stars). 7 submissions from 7 submitters: Benign (5); Likely benign (1). 1 of the submissions does not count toward it. Last evaluated 2026-02-04.

Conditions:
Microcephalic primordial dwarfism due to RTTN deficiency (MSSP). Also called: Microcephaly, short stature, and polymicrogyria with or without seizures; MICROCEPHALY, SHORT STATURE, AND POLYMICROGYRIA. Identifiers: Orphanet 468631, MedGen C3553831, MONDO:0018764, OMIM 614833.

Allele frequency attached by ClinVar (database versions not stated): 1000 Genomes Project 30x 0.77904; TOPMed 0.78313; 1000 Genomes Project 0.79073; gnomAD 0.79319 and 0.80546; ESP Exome Variant Server 0.80269; ExAC 0.91844; gnomAD exomes 0.92703 and 0.94960.

Submissions (7):

Labcorp Genetics (formerly Invitae), Labcorp
Classification: Benign. Last evaluated: 2026-02-04. Review status: criteria provided, single submitter. Criteria: Invitae Variant Classification Sherloc (09022015). Collection method: clinical testing. Allele origin: germline.

Blueprint Genetics
Classification: Likely benign. Last evaluated: 2024-11-28. Review status: criteria provided, single submitter. Criteria: ACMG Guidelines, 2015. Collection method: clinical testing. Allele origin: germline.

Genome-Nilou Lab
Classification: Benign for Microcephalic primordial dwarfism due to RTTN deficiency. Last evaluated: 2021-11-07. Review status: criteria provided, single submitter. Criteria: ACMG Guidelines, 2015. Collection method: clinical testing. Allele origin: germline. Affected: no.

Laboratory for Molecular Medicine, Mass General Brigham Personalized Medicine
Classification: Benign. Last evaluated: 2016-03-29. Review status: criteria provided, single submitter. Criteria: LMM Criteria. Collection method: clinical testing. Allele origin: germline.
Comment: Variant identified in a genome or exome case(s) and assessed due to predicted null impact of the variant or pathogenic assertions in the literature or databases. Disclaimer: This variant has not undergone full assessment. The following are preliminary notes: Frequency

GeneDx
Classification: Benign. Last evaluated: 2016-01-08. Review status: criteria provided, single submitter. Criteria: GeneDx Variant Classification (06012015). Collection method: clinical testing. Allele origin: germline. Affected: yes.
Comment: This variant is considered likely benign or benign based on one or more of the following criteria: it is a conservative change, it occurs at a poorly conserved position in the protein, it is predicted to be benign by multiple in silico algorithms, and/or has population frequency not consistent with disease.

Breakthrough Genomics
Classification: Benign. Review status: criteria provided, single submitter. Criteria: ACMG Guidelines, 2015. Collection method: not provided. Allele origin: germline. Inheritance: Autosomal recessive inheritance. Affected: yes.

Genetic Services Laboratory, University of Chicago
Classification: Likely benign for AllHighlyPenetrant. Review status: no assertion criteria provided. Collection method: clinical testing. Allele origin: germline. Inheritance: Autosomal recessive inheritance. Not counted in ClinVar's aggregate classification.
Comment: Likely benign based on allele frequency in 1000 Genomes Project or ESP global frequency and its presence in a patient with a rare or unrelated disease phenotype. NOT Sanger confirmed.